The following is an entry in ClinVar:

ClinVar aggregate classification (germline): Uncertain significance (1 of 4 stars; one submission).

Submission:

Labcorp Genetics (formerly Invitae), Labcorp
Classification: Uncertain significance. Last evaluated: 2024-01-29. Review status: criteria provided, single submitter. Criteria: Invitae Variant Classification Sherloc (09022015). Collection method: clinical testing. Allele origin: germline.
Comment: This variant, c.361_369del, results in the deletion of 3 amino acid(s) of the SON protein (p.Lys121_Lys123del), but otherwise preserves the integrity of the reading frame. This variant is not present in population databases (gnomAD no frequency). This variant has not been reported in the literature in individuals affected with SON-related conditions. Experimental studies and prediction algorithms are not available or were not evaluated, and the functional significance of this variant is currently unknown. In summary, the available evidence is currently insufficient to determine the role of this variant in disease. Therefore, it has been classified as a Variant of Uncertain Significance.

NM_138927.4(SON):c.352AAGAAGAAA[1] (p.Lys121_Lys123del)

Gene: SON (SON DNA and RNA binding protein; plus strand). Cytogenetic location: 21q22.11.
Variant type: Microsatellite.
Coding change: c.352AAGAAGAAA[1] on transcript NM_138927.4 (MANE Select); one copy of the 9-base unit AAGAAGAAA starting at c.352; the reference has two copies in a row; one copy, 9 bases deleted.
Protein change: p.Lys121_Lys123del.
Molecular consequence: inframe deletion. On other transcripts: inframe indel (3), non-coding transcript variant (1), intron variant (1).
Genome position (GRCh38, 1-based): chr21:33,549,592-33,549,600, AAGAAGAAA deleted; deleting any 9 consecutive bases within chr21:33,549,580-33,549,600 gives the same sequence; the position shown is the placement nearest the transcript's 3' end. VCF-style (leftmost placement, unchanged base first): chr21-33549579-CAAAAAGAAG-C. GRCh37 (hg19) VCF-style: chr21-34921885-CAAAAAGAAG-C.
Other names: c.352AAGAAGAAA[1], p.Lys121_Lys123del (NM_001291411.2, NM_032195.3); c.352_360AAGAAGAAA[1], p.Lys121_Lys123del (NM_001412133.1, NM_058183.2, NM_138926.1); c.244+3213_244+3221del (NM_001291412.3).
Identifiers: ClinVar variation 3003499 (VCV003003499.3), dbSNP rs2517344635, ClinGen allele CA2740094701.